The following is an entry in ClinVar:

NM_000203.5(IDUA):c.246C>G (p.His82Gln)

Genes: SLC26A1 (solute carrier family 26 member 1; minus strand), IDUA (alpha-L-iduronidase; plus strand). Cytogenetic location: 4p16.3.
Variant type: single nucleotide variant.
Coding change: c.246C>G on transcript NM_000203.5 (MANE Select); coding-DNA position 246, C replaced by G.
Protein change: p.His82Gln; replaces histidine 82 with glutamine.
Molecular consequence: missense variant. On other transcripts: 3 prime UTR variant (2), non-coding transcript variant (1), intron variant (1).
Genome position (GRCh38, 1-based): chr4:987,896, C>G. VCF-style: chr4-987896-C-G. GRCh37 (hg19) VCF-style: chr4-981684-C-G.
Other names: c.*937G>C (NM_022042.4, NM_213613.4); c.576+3232G>C (NM_134425.4); short protein forms H82Q.
Identifiers: ClinVar variation 92637 (VCV000092637.57), dbSNP rs148775298, ClinGen allele CA220506.

ClinVar aggregate classification (germline): Benign/Likely benign; other. Review status: criteria provided, multiple submitters, no conflicts (2 of 4 stars). 12 submissions from 12 submitters: Benign (2); Likely benign (5). 3 of the submissions do not count toward it. Last evaluated 2026-05-01.

Conditions:
Inborn genetic diseases. Identifiers: MedGen C0950123, MeSH D030342.
Mucopolysaccharidosis type 1. Also called: Mucopolysaccharidosis Type I; IDUA deficiency; MPS I. Identifiers: Orphanet 579, MedGen C0023786, MONDO:0001586.
Hurler syndrome. Also called: MUCOPOLYSACCHARIDOSIS TYPE IH; Severe MPS I (Hurler Syndrome); Gargoylism, Hurler Syndrome. Identifiers: Orphanet 93473, MedGen C0086795, MONDO:0011758, OMIM 607014.

Allele frequency attached by ClinVar (database versions not stated): gnomAD exomes 0.00293 and 0.00518; ExAC 0.00365; gnomAD 0.00371 and 0.00274; ESP Exome Variant Server 0.00525; 1000 Genomes Project 0.00120; 1000 Genomes Project 30x 0.00094; TOPMed 0.00389.
gnomAD v4.1: 8,173 of 1,609,594 alleles (0.51%); highest among the groups gnomAD compares: Non-Finnish European, 0.63%; 32 homozygotes.

Submissions (12):

CeGaT Center for Human Genetics Tuebingen
Classification: Likely benign. Last evaluated: 2026-05-01. Review status: criteria provided, single submitter. Criteria: CeGaT Center For Human Genetics Tuebingen Variant Classification Criteria Version 2. Collection method: clinical testing. Allele origin: germline. Affected: yes. Observed: 10 variant alleles.
Comment: IDUA: PM5, BP4, BS2

Blueprint Genetics
Classification: Likely benign. Last evaluated: 2024-11-21. Review status: criteria provided, single submitter. Criteria: ACMG Guidelines, 2015. Collection method: clinical testing. Allele origin: germline.

Mendelics
Classification: Likely benign for Hurler syndrome. Last evaluated: 2019-05-28. Review status: criteria provided, single submitter. Criteria: Mendelics Assertion Criteria 2017. Collection method: clinical testing. Allele origin: unknown.

Labcorp Genetics (formerly Invitae), Labcorp
Classification: other for Mucopolysaccharidosis type I. Last evaluated: 2018-12-31. Review status: criteria provided, single submitter. Criteria: Invitae Variant Classification Sherloc (09022015). Collection method: clinical testing. Allele origin: germline.

GeneDx
Classification: Benign. Last evaluated: 2018-09-28. Review status: criteria provided, single submitter. Criteria: GeneDx Variant Classification Process June 2021. Collection method: clinical testing. Allele origin: germline. Affected: yes.
Comment: This variant is associated with the following publications: (PMID: 27939258, 15300847, 23465405, 28721335, 33195954)

Eurofins Ntd Llc (ga)
Classification: other. Last evaluated: 2018-05-25. Review status: criteria provided, single submitter. Criteria: EGL ClinVar v180209 classification definitions. Collection method: clinical testing. Allele origin: germline. Observed: 11 variant alleles, 10 heterozygotes, 1 homozygote.

Ambry Genetics
Classification: Likely benign for Inborn genetic diseases. Last evaluated: 2017-12-28. Review status: criteria provided, single submitter. Criteria: Ambry Variant Classification Scheme 2023. Collection method: clinical testing. Allele origin: germline.

Women's Health and Genetics/Laboratory Corporation of America, LabCorp
Classification: Benign. Last evaluated: 2017-12-20. Review status: criteria provided, single submitter. Criteria: LabCorp Variant Classification Summary - May 2015. Collection method: clinical testing. Allele origin: germline.
Comment: Variant summary: The IDUA c.246C>G (p.His82Gln) variant involves the alteration of a non-conserved nucleotide that is not located within a known functional domain (InterPro). 3/4 in silico tools predict a benign outcome for this variant (SNPsandGO not captured due to low reliability index). This variant was found in 766/261890 control chromosomes (gnomAD), including 2 homozygotes, at a frequency of 0.0029249, which is approximately equal to the estimated maximal expected allele frequency of a pathogenic IDUA variant (0.0026926). In addition, the frequency in the European (Non-Finnish) subpopulation, which includes the two homozygotes, is nearly 2 times higher than the estimated maximal allele frequency (0.00487), suggesting this variant may be a benign polymorphism. The variant has been identified in compound heterozygosity with other variants of possible pathogenicity in patients with an equivocal diagnosis of pseudodeficient MPS1, but patient clinical data and phase of the variants were not reported (Yogalingam_2004). In another published abstract, this variant was not found to segregate with disease in a MPS1 proband with 2 other causative mutation (Johnson_2007). The unaffected father and sister with severely reduced IDUA activity levels, were found to be obligate carriers who harbored this variant in compound heterozygosity with each of probands causative variants, thereby confirming the phase. The variant was found in the homozygous state via newborn screening where the enzyme activity level in a dried blood spot was borderline normal, suggesting the variant may be a pseudodeficiency allele (Scott_2013). A functional study in CHO cells suggests that while there is a reduction in enzyme activity using a fluorimetric substrate, the reduction would not be severe enough to be associated with a disease-causing mutation (Yogalingam_2004). Although the levels of enzyme activity when analyzed using a radiolabelled naturally derived disaccharide substrate were not reported in this study, all literature reports this variant as a pseudodeficiency allele. Another study showed a mild reduction in activity in leukocytes of a suspected MPS I patient with genotype c.246C>G/c.251G>C, but with normal urinary glycosaminoglycan (GAG) levels, suggesting the observed reduction in activity is not sufficient to impair GAG metabolism and cause disease (Bravo_2017). In addition, multiple clinical diagnostic laboratories/reputable databases have classified this variant as likely benign, benign, or as clinically benign but reported as a pseudodeficiency allele. Taken together, this variant is classified as Benign.

PreventionGenetics, part of Exact Sciences
Classification: Likely benign. Review status: criteria provided, single submitter. Criteria: ACMG Guidelines, 2015. Collection method: clinical testing. Allele origin: germline.

Counsyl
Classification: other for Hurler syndrome. Last evaluated: 2018-04-12. Review status: no assertion criteria provided. Collection method: clinical testing. Allele origin: unknown. Not counted in ClinVar's aggregate classification.

Department of Pathology and Laboratory Medicine, Sinai Health System
Classification: Likely benign. Review status: no assertion criteria provided. Collection method: clinical testing. Allele origin: unknown. Affected: yes. Study: The Canadian Open Genetics Repository (COGR). Not counted in ClinVar's aggregate classification.
Comment: The IDUA p.His82Gln variant was identified in the literature in individuals with Mucopolysaccharidosis type I (MPS type I) disease (Bravo_2017_28721335, Clarke_2016_27939258,Yogalingam_2004_15300847). The variant was also identified in the following databases: dbSNP (ID: rs148775298) as â€šÃ„Ãºwith other alleleâ€šÃ„Ã¹, ClinVar (1x as benign by Gene Reviews, 1x as likely benign by Prevention Genetics, 1x as uncertain significance by EGL Genetic), Clinvitae (3x by ClinVar). This variant was identified in the 1000 Genomes Project in 6 of 5008 chromosomes (frequency: 0.0012), The NHLBI GO Exome Sequencing Project in 63 of 8578 European American alleles (freq. 0.007) and in 5 of 4383 of African American alleles (freq. 0.001), the Exome Aggregation Consortium database (August 8th 2016) in 293 (1 homozygous) of 80272 chromosomes (freq. 0.0036) and the genome Aggregation Database (beta, October 19th 2016) in 766 (2 homozygous) of 261890 chromosomes (freq. 0.003) in the following populations: African in 18 of 22820 chromosomes (freq. 0.0008), other in 16 of 6160 chromosomes (freq. 0.0025), Latino in 118 of 33784 chromosomes (freq. 0.003), European non Finnish in 569 of 116766 chromosomes (freq. 0.005), and Finnish in 45 of 24302 chromosomes (freq. 0.0018), but was not seen in Ashkenazi Jewish, East Asian and South Asian populations, increasing the likelihood this could be a low frequency variant. Lysosomal storage diseases (LSDs) are genetic disorders with an estimated overall prevalence of 1 in 7,700 live births. They are mainly caused by monogenic defects in genes encoding lysosomal enzymes that degrade macromolecules such as glycolipids, glycoproteins and mucopolysaccharides. These defects produce an abnormal and progressive lysosomal accumulation of specific substrates, leading to structural changes and deterioration of the cellular function. LSDs are clinically heterogeneous, being usually undetectable at birth, and characterized by progressive manifestations that may include different organs and systems in the body (Bravo_2017_28721335). A functional study on the level of protein synthesis, stability and specific activity of p.His82Gln variant has determined the nonpathogenic nature of this variant in a Mucopolysaccharidosis Type I patient (Yogalingam_2004_15300847). IDUA pseudodeficiency alleles can result in decreased enzyme activity when found in the homozygous state or in the compound heterozygous state with another pseudodeficiency allele, a pathogenic variant, or a variant of unknown significance. The Missouri NBS program reported that of 46 infants with a positive NBS screen, 26 had leukocyte IDUA enzyme activity below normal levels but above levels identified in patients with confirmed severe MPS I.36 Follow up testing showed that uGAG levels in these infants were not indicative of severe MPS I, and no patient was homozygous or compound heterozygous for previously reported pathogenic variants. Four purported pseudodeficiency missense IDUA alleles were identified (p.A79T, p.H82Q, p.D223N, and p.V322E) of which p.A79T was prevalent in the African American population (Clarke_2016_27939258). The p.His82Gln residue is not conserved in mammals and four out of five computational analyses (PolyPhen-2, SIFT, AlignGVGD, BLOSUM, MutationTaster) do not suggest a high likelihood of impact to the protein; however, this information is not predictive enough to rule out pathogenicity. The variant occurs outside of the splicing consensus sequence and 3 of 5 in silico or computational prediction software programs (SpliceSiteFinder, MaxEntScan, NNSPLICE, GeneSplicer, HumanSpliceFinder) predict a greater than 10% difference in splicing. However, this information is not predictive enough to assume pathogenicity. In summary, based on the above information, the clinical significance of this variant cannot be determined with certainty at this time although we would lean towards a more benign role for this variant. This variant is classified as likely benign.

GeneReviews
No classification provided. Condition: Mucopolysaccharidosis type 1. Review status: no classification provided. Collection method: literature only. Allele origin: germline. Not counted in ClinVar's aggregate classification.
Comment: Pseudodeficiency variants

Literature cited by the submitters: PubMed 15300847 (cited by 3 submitters); PubMed 23465405 (cited by 3 submitters); PubMed 27939258 (cited by Ambry Genetics and Women's Health and Genetics/Laboratory Corporation of America, LabCorp); PubMed 28721335 (cited by 3 submitters); PubMed 27843123 (cited by Women's Health and Genetics/Laboratory Corporation of America, LabCorp); PubMed 28725570 (cited by Women's Health and Genetics/Laboratory Corporation of America, LabCorp); PubMed 28728811 (cited by Women's Health and Genetics/Laboratory Corporation of America, LabCorp); NCBI Bookshelf NBK1162 (cited by GeneReviews).